The following is an entry in ClinVar:

NM_174934.4(SCN4B):c.556C>G (p.Leu186Val)

Gene: SCN4B (sodium voltage-gated channel beta subunit 4; minus strand). Cytogenetic location: 11q23.3.
Variant type: single nucleotide variant.
Coding change: c.556C>G on transcript NM_174934.4 (MANE Select); coding-DNA position 556, C replaced by G.
Protein change: p.Leu186Val; replaces leucine 186 with valine.
Molecular consequence: missense variant. On other transcripts: non-coding transcript variant (1).
Genome position (GRCh38, 1-based): chr11:118,141,244, G>C on the plus strand (C>G on the coding strand, the complement: SCN4B is on the minus strand). VCF-style: chr11-118141244-G-C. GRCh37 (hg19) VCF-style: chr11-118011959-G-C.
Other names: c.154C>G, p.Leu52Val (NM_001142348.2); c.226C>G, p.Leu76Val (NM_001142349.2); short protein forms L76V, L52V, L186V.
Identifiers: ClinVar variation 1748349 (VCV001748349.3), dbSNP rs2497558109, ClinGen allele CA382777487.
Genomic context (GRCh38, chr11:118,141,244, plus strand): 5'-GAGTGTGCTCCAGATCAACTCACTTCTTCTCCCGAGTCTTCTTCAGGATGAAGATGATGA[G>C]TTTCTTGATCAGCAGGATGAGGATGAGGAGCCCGATGACCCCGCCCACGACAGCCAGGAT-3'
Protein context (NP_777594.1, residues 176-196): LLILILLIKK[Leu186Val]IIFILKKTRE

ClinVar aggregate classification (germline): Uncertain significance (1 of 4 stars; one submission).

Conditions:
Cardiovascular phenotype. Identifiers: MedGen CN230736.

Submission:

Ambry Genetics
Classification: Uncertain significance for Cardiovascular phenotype. Last evaluated: 2024-11-01. Review status: criteria provided, single submitter. Criteria: Ambry Variant Classification Scheme 2023. Collection method: clinical testing. Allele origin: germline.
Comment: The p.L186V variant (also known as c.556C>G), located in coding exon 4 of the SCN4B gene, results from a C to G substitution at nucleotide position 556. The leucine at codon 186 is replaced by valine, an amino acid with highly similar properties. This amino acid position is conserved. In addition, this alteration is predicted to be tolerated by in silico analysis. Since supporting evidence is limited at this time, the clinical significance of this alteration remains unclear.